The following is an entry in ClinVar:

NM_003002.4(SDHD):c.268_269delinsTT (p.Ala90Leu)

Gene: SDHD (succinate dehydrogenase complex subunit D; plus strand). Cytogenetic location: 11q23.1.
Variant type: Indel.
Coding change: c.268_269delinsTT on transcript NM_003002.4 (MANE Select); coding-DNA positions 268 to 269, GC replaced by TT.
Protein change: p.Ala90Leu; replaces alanine 90 with leucine.
Molecular consequence: missense variant. On other transcripts: non-coding transcript variant (1), intron variant (1).
Genome position (GRCh38, 1-based): chr11:112,088,965-112,088,966, GC replaced by TT. VCF-style: chr11-112088965-GC-TT. GRCh37 (hg19) VCF-style: chr11-111959689-GC-TT.
Other names: c.151_152delinsTT, p.Ala51Leu (NM_001276504.2); c.268_269delinsTT, p.Ala90Leu (NM_001276506.2); c.169+992_169+993delinsTT (NM_001276503.2); short protein forms A51L, A90L.
Identifiers: ClinVar variation 465230 (VCV000465230.15), dbSNP rs1555187033, ClinGen allele CA658658104.
Genomic context (GRCh38, chr11:112,088,965, plus strand): 5'-AGGGTTGTCAGTGTTTTGCTCCTGGGTCTGCTTCCGGCTGCTTATTTGAATCCTTGCTCT[GC>TT]GATGGACTATTCCCTGGCTGCAGCCCTCACTCTTCATGGTCACTGGCAAGTATAGCAATT-3'
Protein context (NP_002993.1, residues 80-100): LPAAYLNPCS[Ala90Leu]MDYSLAAALT

ClinVar aggregate classification (germline): Uncertain significance. Review status: criteria provided, multiple submitters, no conflicts (2 of 4 stars). 3 submissions from 3 submitters: Uncertain significance (3). Last evaluated 2025-11-13.

Conditions:
Pheochromocytoma. Also called: MAX-Related Hereditary Paraganglioma-Pheochromocytoma Syndrome. Identifiers: Orphanet 29072, MedGen C0031511, MONDO:0008233, OMIM 171300, HP:0002666.
Carney-Stratakis syndrome. Also called: PARAGANGLIOMA AND GASTROINTESTINAL STROMAL TUMOR. Identifiers: Orphanet 97286, MedGen C1847319, MONDO:0011740, OMIM 606864.
Cowden syndrome 3 (CWS3). Identifiers: Orphanet 201, MedGen CN166604, MONDO:0014045.
Paragangliomas with sensorineural hearing loss. Identifiers: MedGen C1868633.
Mitochondrial complex 2 deficiency, nuclear type 3. Also called: MITOCHONDRIAL COMPLEX II DEFICIENCY, NUCLEAR TYPE 3. Identifiers: MedGen C5436934, MONDO:0030937, OMIM 619167.
Hereditary cancer-predisposing syndrome. Also called: Neoplastic Syndromes, Hereditary; Tumor predisposition; Hereditary Cancer Syndrome; Hereditary neoplastic syndrome. Identifiers: Orphanet 140162, MedGen C0027672, MeSH D009386, MONDO:0015356.

Submissions (3):

Labcorp Genetics (formerly Invitae), Labcorp
Classification: Uncertain significance for Carney-Stratakis syndrome; Paragangliomas with sensorineural hearing loss; Pheochromocytoma; Cowden syndrome 3. Last evaluated: 2025-11-13. Review status: criteria provided, single submitter. Criteria: Invitae Variant Classification Sherloc (09022015). Collection method: clinical testing. Allele origin: germline.
Comment: This sequence change replaces alanine, which is neutral and non-polar, with leucine, which is neutral and non-polar, at codon 90 of the SDHD protein (p.Ala90Leu). Information on the frequency of this variant in the gnomAD database is not available, as this variant may be reported differently in the database. This variant has not been reported in the literature in individuals affected with SDHD-related conditions. ClinVar contains an entry for this variant (Variation ID: 465230). An algorithm developed to predict the effect of missense changes on protein structure and function (PolyPhen-2) suggests that this variant is likely to be tolerated. In summary, the available evidence is currently insufficient to determine the role of this variant in disease. Therefore, it has been classified as a Variant of Uncertain Significance.

Baylor Genetics
Classification: Uncertain significance for Mitochondrial complex 2 deficiency, nuclear type 3. Last evaluated: 2024-01-23. Review status: criteria provided, single submitter. Criteria: ACMG Guidelines, 2015. Collection method: clinical testing. Allele origin: unknown.

Ambry Genetics
Classification: Uncertain significance for Hereditary cancer-predisposing syndrome. Last evaluated: 2023-07-05. Review status: criteria provided, single submitter. Criteria: Ambry Variant Classification Scheme 2023. Collection method: clinical testing. Allele origin: germline.
Comment: The c.268_269delGCinsTT variant (also known as p.A90L), located in coding exon 3 of the SDHD gene, results from an in-frame deletion of GC and insertion of TT at nucleotide positions 268 to 269. This results in the substitution of the alanine residue for a leucine residue at codon 90, an amino acid with similar properties. This amino acid position is not well conserved in available vertebrate species. In addition, this alteration is predicted to be neutral by in silico analysis (Choi Y et al. PLoS ONE. 2012; 7(10):e46688). Since supporting evidence is limited at this time, the clinical significance of this alteration remains unclear.